The following is an entry in ClinVar:

NM_053025.4(MYLK):c.4942G>A (p.Gly1648Arg)

Gene: MYLK (myosin light chain kinase; minus strand). Cytogenetic location: 3q21.1.
Variant type: single nucleotide variant.
Coding change: c.4942G>A on transcript NM_053025.4 (MANE Select); coding-DNA position 4942, G replaced by A.
Protein change: p.Gly1648Arg; replaces glycine 1648 with arginine.
Molecular consequence: missense variant.
Genome position (GRCh38, 1-based): chr3:123,638,090, C>T on the plus strand (G>A on the coding strand, the complement: MYLK is on the minus strand). VCF-style: chr3-123638090-C-T. GRCh37 (hg19) VCF-style: chr3-123356937-C-T.
Other names: c.4414G>A, p.Gly1472Arg (NM_001321309.2); c.4735G>A, p.Gly1579Arg (NM_053026.4, NM_053028.4); c.4942G>A, p.Gly1648Arg (NM_053027.4); short protein forms G1648R, G1579R, G1472R.
Identifiers: ClinVar variation 1036048 (VCV001036048.6), dbSNP rs2058709315, ClinGen allele CA354225600.

ClinVar aggregate classification (germline): Uncertain significance (1 of 4 stars; one submission).

Conditions:
Aortic aneurysm, familial thoracic 7 (AAT7). Also called: AORTIC DISSECTION, FAMILIAL, WITH OR WITHOUT AORTIC ANEURYSM. Identifiers: MedGen C3151077, MONDO:0013418, OMIM 613780.

Submission:

Labcorp Genetics (formerly Invitae), Labcorp
Classification: Uncertain significance for Aortic aneurysm, familial thoracic 7. Last evaluated: 2025-03-24. Review status: criteria provided, single submitter. Criteria: Invitae Variant Classification Sherloc (09022015). Collection method: clinical testing. Allele origin: germline.
Comment: This sequence change replaces glycine, which is neutral and non-polar, with arginine, which is basic and polar, at codon 1648 of the MYLK protein (p.Gly1648Arg). This variant is not present in population databases (gnomAD no frequency). This variant has not been reported in the literature in individuals affected with MYLK-related conditions. ClinVar contains an entry for this variant (Variation ID: 1036048). Invitae Evidence Modeling of protein sequence and biophysical properties (such as structural, functional, and spatial information, amino acid conservation, physicochemical variation, residue mobility, and thermodynamic stability) has been performed for this missense variant. However, the output from this modeling did not meet the statistical confidence thresholds required to predict the impact of this variant on MYLK protein function. In summary, the available evidence is currently insufficient to determine the role of this variant in disease. Therefore, it has been classified as a Variant of Uncertain Significance.